The following is an entry in ClinVar:

ClinVar aggregate classification (germline): Conflicting classifications of pathogenicity. Review status: criteria provided, conflicting classifications (1 of 4 stars). 5 submissions from 5 submitters: Uncertain significance (1); Likely benign (4). Last evaluated 2025-12-13.

Conditions:
Hereditary cancer-predisposing syndrome. Also called: Hereditary neoplastic syndrome; Neoplastic Syndromes, Hereditary; Tumor predisposition; Hereditary Cancer Syndrome. Identifiers: Orphanet 140162, MedGen C0027672, MeSH D009386, MONDO:0015356.
Cardiovascular phenotype. Identifiers: MedGen CN230736.

Allele frequency attached by ClinVar (database versions not stated): TOPMed below 0.00001; gnomAD 0.00001; ExAC 0.00002; gnomAD exomes 0.00003.
gnomAD v4.1: 41 of 1,614,016 alleles (0.0025%); highest among the groups gnomAD compares: Non-Finnish European, 0.0034%; no homozygotes.

Submissions (5):

Labcorp Genetics (formerly Invitae), Labcorp
Classification: Likely benign. Last evaluated: 2025-12-13. Review status: criteria provided, single submitter. Criteria: Invitae Variant Classification Sherloc (09022015). Collection method: clinical testing. Allele origin: germline.

Blueprint Genetics
Classification: Likely benign. Last evaluated: 2024-04-17. Review status: criteria provided, single submitter. Criteria: ACMG Guidelines, 2015. Collection method: clinical testing. Allele origin: germline.

GeneDx
Classification: Uncertain significance. Last evaluated: 2024-01-04. Review status: criteria provided, single submitter. Criteria: GeneDx Variant Classification Process June 2021. Collection method: clinical testing. Allele origin: germline. Affected: yes.
Comment: In silico analysis supports that this variant does not alter splicing; Has not been previously published as pathogenic or benign to our knowledge

Women's Health and Genetics/Laboratory Corporation of America, LabCorp
Classification: Likely benign. Last evaluated: 2023-04-24. Review status: criteria provided, single submitter. Criteria: LabCorp Variant Classification Summary - May 2015. Collection method: clinical testing. Allele origin: germline.
Comment: Variant summary: LZTR1 c.234T>C alters a non-conserved nucleotide resulting in a synonymous change. 4/4 computational tools predict no significant impact on normal splicing. However, these predictions have yet to be confirmed by functional studies.The variant allele was found at a frequency of 2.4e-05 in 251472 control chromosomes (gnomAD). The available data on variant occurrences in the general population are insufficient to allow any conclusion about variant significance. To our knowledge, no occurrence of c.234T>C in individuals affected with Noonan Syndrome and no experimental evidence demonstrating its impact on protein function have been reported. One clinical diagnostic laboratory has submitted clinical-significance assessments for this variant to ClinVar after 2014 and classified the variant as likely benign. Based on the evidence outlined above, the variant was classified as likely benign.

Ambry Genetics
Classification: Likely benign for Cardiovascular phenotype; Hereditary cancer-predisposing syndrome. Last evaluated: 2022-07-12. Review status: criteria provided, single submitter. Criteria: Ambry Variant Classification Scheme 2023. Collection method: clinical testing. Allele origin: germline.

NM_006767.4(LZTR1):c.234T>C (p.Asp78=)

Gene: LZTR1 (leucine zipper like post translational regulator 1; plus strand). Cytogenetic location: 22q11.21.
Variant type: single nucleotide variant.
Coding change: c.234T>C on transcript NM_006767.4 (MANE Select); coding-DNA position 234, T replaced by C.
Protein change: p.Asp78=; no amino-acid change (aspartic acid 78 retained).
Molecular consequence: synonymous variant.
Genome position (GRCh38, 1-based): chr22:20,983,060, T>C. VCF-style: chr22-20983060-T-C. GRCh37 (hg19) VCF-style: chr22-21337349-T-C.
Identifiers: ClinVar variation 1789992 (VCV001789992.8), dbSNP rs762992496, ClinGen allele CA10118315.
Genomic context (GRCh38, chr22:20,983,060, plus strand): 5'-TACCGCCCTCCACTCCTTTCTTTCCAGGCGCAGCAAGCACACAGTGGTGGCCTATAAAGA[T>C]GCCATTTATGTATTTGGTGGAGACAATGGGTGAGTGAGTCTCAGCATCAGTGTTTGGACC-3'
Protein context (NP_006758.2, residues 68-88): RSKHTVVAYK[Asp78=]AIYVFGGDNG